The following is an entry in ClinVar:

NM_000368.5(TSC1):c.2700G>A (p.Gln900=)

Gene: TSC1 (TSC complex subunit 1; minus strand). Cytogenetic location: 9q34.13.
Variant type: single nucleotide variant.
Coding change: c.2700G>A on transcript NM_000368.5 (MANE Select); coding-DNA position 2700, G replaced by A.
Protein change: p.Gln900=; no amino-acid change (glutamine 900 retained).
Molecular consequence: synonymous variant.
Genome position (GRCh38, 1-based): chr9:132,897,536, C>T on the plus strand (G>A on the coding strand, the complement: TSC1 is on the minus strand). VCF-style: chr9-132897536-C-T. GRCh37 (hg19) VCF-style: chr9-135772923-C-T.
Other names: c.2697G>A, p.Gln899= (NM_001162426.2); c.2547G>A, p.Gln849= (NM_001162427.2); c.2337G>A, p.Gln779= (NM_001362177.2).
Identifiers: ClinVar variation 392972 (VCV000392972.34), dbSNP rs560986491, ClinGen allele CA034364.

ClinVar aggregate classification (germline): Benign/Likely benign. Review status: criteria provided, multiple submitters, no conflicts (2 of 4 stars). 9 submissions from 9 submitters: Benign (3); Likely benign (6). Last evaluated 2026-01-11.

Conditions:
Tuberous sclerosis 1 (TSC1). Identifiers: Orphanet 805, MedGen C1854465, MONDO:0008612, OMIM 191100.
Hereditary cancer-predisposing syndrome. Also called: Neoplastic Syndromes, Hereditary; Hereditary neoplastic syndrome; Tumor predisposition; Hereditary Cancer Syndrome. Identifiers: Orphanet 140162, MedGen C0027672, MeSH D009386, MONDO:0015356.
Tuberous sclerosis syndrome (TSC). Also called: Tuberous Sclerosis Complex; Tuberous sclerosis. Identifiers: Orphanet 805, MedGen C0041341, MONDO:0001734.

Allele frequency attached by ClinVar (database versions not stated): TOPMed 0.00002; gnomAD 0.00003; gnomAD exomes 0.00006; ExAC 0.00007.
gnomAD v4.1: 58 of 1,606,094 alleles (0.0036%); highest among the groups gnomAD compares: South Asian, 0.03%; no homozygotes.

Submissions (9):

Labcorp Genetics (formerly Invitae), Labcorp
Classification: Benign for Tuberous sclerosis 1. Last evaluated: 2026-01-11. Review status: criteria provided, single submitter. Criteria: Invitae Variant Classification Sherloc (09022015). Collection method: clinical testing. Allele origin: germline.

Myriad Genetics, Inc.
Classification: Benign for Tuberous sclerosis 1. Last evaluated: 2025-04-29. Review status: criteria provided, single submitter. Criteria: Myriad Autosomal Dominant, Autosomal Recessive and X-Linked Classification Criteria (2023). Collection method: clinical testing. Allele origin: unknown.
Comment: This variant is considered benign. This variant is a silent/synonymous amino acid change and it is not expected to impact splicing.

CeGaT Center for Human Genetics Tuebingen
Classification: Likely benign. Last evaluated: 2024-09-01. Review status: criteria provided, single submitter. Criteria: CeGaT Center For Human Genetics Tuebingen Variant Classification Criteria Version 2. Collection method: clinical testing. Allele origin: germline. Affected: yes. Observed: 1 variant allele.
Comment: TSC1: BP4

All of Us Research Program, National Institutes of Health
Classification: Likely benign for Tuberous sclerosis syndrome. Last evaluated: 2024-08-06. Review status: criteria provided, single submitter. Criteria: ACMG Guidelines, 2015. Collection method: clinical testing. Allele origin: germline. Inheritance: Autosomal dominant inheritance. Observed: 5 variant alleles, 5 heterozygotes.
Comment: This study involves interpretation of variants in research participants for the purpose of population health screening. Participant phenotype was not available at the time of variant classification. Additional details can be found in publication PMID: 35346344, PMCID: PMC8962531

KCCC/NGS Laboratory, Kuwait Cancer Control Center
Classification: Likely benign for Tuberous sclerosis 1. Last evaluated: 2023-07-07. Review status: criteria provided, single submitter. Criteria: ACMG Guidelines, 2015. Collection method: clinical testing. Allele origin: germline. Affected: yes.

Genome-Nilou Lab
Classification: Benign for Tuberous sclerosis 1. Last evaluated: 2021-11-07. Review status: criteria provided, single submitter. Criteria: ACMG Guidelines, 2015. Collection method: clinical testing. Allele origin: germline. Affected: no.

Sema4
Classification: Likely benign for Hereditary cancer-predisposing syndrome. Last evaluated: 2021-08-31. Review status: criteria provided, single submitter. Criteria: Sema4 Curation Guidelines. Collection method: curation. Allele origin: germline.

Ambry Genetics
Classification: Likely benign for Hereditary cancer-predisposing syndrome. Last evaluated: 2019-10-29. Review status: criteria provided, single submitter. Criteria: Ambry Variant Classification Scheme 2023. Collection method: clinical testing. Allele origin: germline.

GeneDx
Classification: Likely benign. Last evaluated: 2017-01-12. Review status: criteria provided, single submitter. Criteria: GeneDx Variant Classification (06012015). Collection method: clinical testing. Allele origin: germline. Affected: yes.
Comment: This variant is considered likely benign or benign based on one or more of the following criteria: it is a conservative change, it occurs at a poorly conserved position in the protein, it is predicted to be benign by multiple in silico algorithms, and/or has population frequency not consistent with disease.